The following is an entry in ClinVar:

ClinVar aggregate classification (germline): Conflicting classifications of pathogenicity. Review status: criteria provided, conflicting classifications (1 of 4 stars). 6 submissions from 6 submitters: Uncertain significance (5); Likely benign (1). Last evaluated 2025-11-18.

Conditions:
Congenital contractural arachnodactyly (CCA). Also called: BEALS SYNDROME; Beals-Hecht syndrome; Arthrogryposis, distal, type 9. Identifiers: Orphanet 115, MedGen C0220668, MONDO:0007363, OMIM 121050.
Familial thoracic aortic aneurysm and aortic dissection (TAAD). Also called: Thoracic aortic aneurysms and dissections. Identifiers: Orphanet 91387, MedGen C4707243, MONDO:0019625.

Allele frequency attached by ClinVar (database versions not stated): ExAC 0.00001; gnomAD 0.00001; gnomAD exomes 0.00001; TOPMed 0.00003.
gnomAD v4.1: 18 of 1,613,548 alleles (0.0011%); highest among the groups gnomAD compares: Non-Finnish European, 0.0014%; no homozygotes.

Submissions (6):

Labcorp Genetics (formerly Invitae), Labcorp
Classification: Uncertain significance for Congenital contractural arachnodactyly. Last evaluated: 2025-11-18. Review status: criteria provided, single submitter. Criteria: Invitae Variant Classification Sherloc (09022015). Collection method: clinical testing. Allele origin: germline.
Comment: This sequence change replaces proline, which is neutral and non-polar, with leucine, which is neutral and non-polar, at codon 2518 of the FBN2 protein (p.Pro2518Leu). This variant is present in population databases (rs776761421, gnomAD 0.003%). This missense change has been observed in individuals with thoracic aortic aneurysm and/or dissection (internal data). ClinVar contains an entry for this variant (Variation ID: 578249). Invitae Evidence Modeling of protein sequence and biophysical properties (such as structural, functional, and spatial information, amino acid conservation, physicochemical variation, residue mobility, and thermodynamic stability) has been performed for this missense variant. However, the output from this modeling did not meet the statistical confidence thresholds required to predict the impact of this variant on FBN2 protein function. In summary, the available evidence is currently insufficient to determine the role of this variant in disease. Therefore, it has been classified as a Variant of Uncertain Significance.

ARUP Laboratories, Molecular Genetics and Genomics, ARUP Laboratories
Classification: Uncertain significance. Last evaluated: 2023-10-27. Review status: criteria provided, single submitter. Criteria: ARUP Molecular Germline Variant Investigation Process 2024. Collection method: clinical testing. Allele origin: germline.
Comment: The FBN2 c.7553C>T; p.Pro2518Leu variant (rs776761421), to our knowledge, is not reported in the medical literature but is reported in ClinVar (Variation ID: 578249). This variant is found in the general population with an overall allele frequency of 0.0012% (3/251086 alleles) in the Genome Aggregation Database. Computational analyses predict that this variant is deleterious (REVEL: 0.759). Due to limited information, the clinical significance of this variant is uncertain at this time.

GeneDx
Classification: Uncertain significance. Last evaluated: 2023-05-08. Review status: criteria provided, single submitter. Criteria: GeneDx Variant Classification Process June 2021. Collection method: clinical testing. Allele origin: germline. Affected: yes.
Comment: Has not been previously published as pathogenic or benign to our knowledge; Not observed at significant frequency in large population cohorts (gnomAD); In silico analysis supports that this missense variant has a deleterious effect on protein structure/function; Although located in a calcium-binding EGF-like domain of the FBN2 gene, it does not substitute or introduce a cysteine residue (Callewaert et al., 2009; Frederic et al., 2009)

Ambry Genetics
Classification: Uncertain significance for Familial thoracic aortic aneurysm and aortic dissection. Last evaluated: 2022-12-27. Review status: criteria provided, single submitter. Criteria: Ambry Variant Classification Scheme 2023. Collection method: clinical testing. Allele origin: germline.
Comment: The p.P2518L variant (also known as c.7553C>T), located in coding exon 59 of the FBN2 gene, results from a C to T substitution at nucleotide position 7553. The proline at codon 2518 is replaced by leucine, an amino acid with similar properties. This amino acid position is highly conserved in available vertebrate species. In addition, this alteration is predicted to be deleterious by in silico analysis. Since supporting evidence is limited at this time, the clinical significance of this alteration remains unclear.

AiLife Diagnostics
Classification: Uncertain significance. Last evaluated: 2021-12-30. Review status: criteria provided, single submitter. Criteria: ACMG Guidelines, 2015. Collection method: clinical testing. Allele origin: germline. Affected: yes. Observed: 1 variant allele.

Blueprint Genetics
Classification: Likely benign. Last evaluated: 2021-01-04. Review status: criteria provided, single submitter. Criteria: ACMG Guidelines, 2015. Collection method: clinical testing. Allele origin: germline.

NM_001999.4(FBN2):c.7553C>T (p.Pro2518Leu)

Gene: FBN2 (fibrillin 2; minus strand). Cytogenetic location: 5q23.3.
Variant type: single nucleotide variant.
Coding change: c.7553C>T on transcript NM_001999.4 (MANE Select); coding-DNA position 7553, C replaced by T.
Protein change: p.Pro2518Leu; replaces proline 2518 with leucine.
Molecular consequence: missense variant.
Genome position (GRCh38, 1-based): chr5:128,276,079, G>A on the plus strand (C>T on the coding strand, the complement: FBN2 is on the minus strand). VCF-style: chr5-128276079-G-A. GRCh37 (hg19) VCF-style: chr5-127611771-G-A.
Other names: short protein forms P2518L.
Identifiers: ClinVar variation 578249 (VCV000578249.13), dbSNP rs776761421, ClinGen allele CA3394092.